The following is an entry in ClinVar:

ClinVar aggregate classification (germline): Uncertain significance (1 of 4 stars; one submission).

Submission:

Ambry Genetics
Classification: Uncertain significance. Last evaluated: 2023-04-11. Review status: criteria provided, single submitter. Criteria: Ambry Variant Classification Scheme 2023. Collection method: clinical testing. Allele origin: germline.
Comment: The p.L374Q variant (also known as c.1121T>A), located in coding exon 5 of the MNDA gene, results from a T to A substitution at nucleotide position 1121. The leucine at codon 374 is replaced by glutamine, an amino acid with dissimilar properties. This amino acid position is conserved. In addition, the in silico prediction for this alteration is inconclusive. Since supporting evidence is limited at this time, the clinical significance of this alteration remains unclear.

NM_002432.3(MNDA):c.1121T>A (p.Leu374Gln)

Gene: MNDA (myeloid cell nuclear differentiation antigen; plus strand). Cytogenetic location: 1q23.1.
Variant type: single nucleotide variant.
Coding change: c.1121T>A on transcript NM_002432.3 (MANE Select); coding-DNA position 1121, T replaced by A.
Protein change: p.Leu374Gln; replaces leucine 374 with glutamine.
Molecular consequence: missense variant.
Genome position (GRCh38, 1-based): chr1:158,847,861, T>A. VCF-style: chr1-158847861-T-A. GRCh37 (hg19) VCF-style: chr1-158817651-T-A.
Other names: short protein forms L374Q.
Identifiers: ClinVar variation 2563145 (VCV002563145.2), dbSNP rs1659171656, ClinGen allele CA343044674.